The following is an entry in ClinVar:

NM_001039591.3(USP9X):c.2248C>T (p.Arg750Ter)

Gene: USP9X (ubiquitin specific peptidase 9 X-linked; plus strand). Cytogenetic location: Xp11.4.
Variant type: single nucleotide variant.
Coding change: c.2248C>T on transcript NM_001039591.3 (MANE Select); coding-DNA position 2248, C replaced by T.
Protein change: p.Arg750Ter; replaces arginine 750 with a stop codon.
Molecular consequence: nonsense.
Genome position (GRCh38, 1-based): chrX:41,166,134, C>T. VCF-style: chrX-41166134-C-T. GRCh37 (hg19) VCF-style: chrX-41025387-C-T.
Other names: c.2248C>T, p.Arg750Ter (NM_001039590.3); c.2263C>T, p.Arg755Ter (NM_001410748.1, NM_001410749.1); short protein forms R755*, R750*.
Identifiers: ClinVar variation 2697482 (VCV002697482.3), dbSNP rs1336782801, ClinGen allele CA412754100.

ClinVar aggregate classification (germline): Pathogenic (1 of 4 stars; one submission).

Submission:

Labcorp Genetics (formerly Invitae), Labcorp
Classification: Pathogenic. Last evaluated: 2026-01-05. Review status: criteria provided, single submitter. Criteria: Invitae Variant Classification Sherloc (09022015). Collection method: clinical testing. Allele origin: germline.
Comment: This sequence change creates a premature translational stop signal (p.Arg750*) in the USP9X gene. It is expected to result in an absent or disrupted protein product. Loss-of-function variants in USP9X are known to be pathogenic (PMID: 26833328, 28377321). This variant is not present in population databases (gnomAD no frequency). This variant has not been reported in the literature in individuals affected with USP9X-related conditions. ClinVar contains an entry for this variant (Variation ID: 2697482). Algorithms developed to predict the effect of sequence changes on RNA splicing suggest that this variant may disrupt the consensus splice site. For these reasons, this variant has been classified as Pathogenic.

Literature cited by the submitters: PubMed 26833328; PubMed 28377321.